The following is an entry in ClinVar:

NM_024642.5(GALNT12):c.951G>C (p.Val317=)

Gene: GALNT12 (polypeptide N-acetylgalactosaminyltransferase 12; plus strand). Cytogenetic location: 9q22.33.
Variant type: single nucleotide variant.
Coding change: c.951G>C on transcript NM_024642.5 (MANE Select); coding-DNA position 951, G replaced by C.
Protein change: p.Val317=; no amino-acid change (valine 317 retained).
Molecular consequence: synonymous variant.
Genome position (GRCh38, 1-based): chr9:98,835,282, G>C. VCF-style: chr9-98835282-G-C. GRCh37 (hg19) VCF-style: chr9-101597564-G-C.
Identifiers: ClinVar variation 4875698 (VCV004875698.1).

ClinVar aggregate classification (germline): Benign (1 of 4 stars; one submission).

Conditions:
Colorectal cancer, susceptibility to, 1. Also called: COLORECTAL ADENOMA AND CANCER, SUSCEPTIBILITY TO; COLORECTAL CANCER, SUSCEPTIBILITY TO, ON CHROMOSOME 9. Identifiers: MedGen C1837315, MONDO:0012132, OMIM 608812.

gnomAD v4.1: 1 of 1,614,038 alleles (0.000062%); highest among the groups gnomAD compares: South Asian, 0.0011%; no homozygotes.

Submission:

Myriad Genetics, Inc.
Classification: Benign for Colorectal cancer, susceptibility to, 1. Last evaluated: 2026-04-24. Review status: criteria provided, single submitter. Criteria: Myriad Autosomal Dominant, Autosomal Recessive and X-Linked Classification Criteria (2023). Collection method: clinical testing. Allele origin: unknown.
Comment: This variant is considered benign. This variant is a silent/synonymous amino acid change and it is not expected to impact splicing.